The following is an entry in ClinVar:

ClinVar aggregate classification (germline): Conflicting classifications of pathogenicity. Review status: criteria provided, conflicting classifications (1 of 4 stars). 8 submissions from 8 submitters: Uncertain significance (2); Benign (1); Likely benign (3). 2 of the submissions do not count toward it. Last evaluated 2026-03-18.

Conditions:
NEB-related disorder. Also called: NEB-Related Disorders; NEB-related condition.
Inborn genetic diseases. Identifiers: MedGen C0950123, MeSH D030342.
Nemaline myopathy 2 (NEM2). Also called: Nemaline myopathy 2, autosomal recessive. Identifiers: MedGen C1850569, MONDO:0009725, OMIM 256030.

Allele frequency attached by ClinVar (database versions not stated): gnomAD exomes 0.00022 and 0.00052; ExAC 0.00068; gnomAD 0.00219 and 0.00237; 1000 Genomes Project 0.00260; TOPMed 0.00281; 1000 Genomes Project 30x 0.00297; ESP Exome Variant Server 0.00305.
gnomAD v4.1: 661 of 1,613,840 alleles (0.041%); highest among the groups gnomAD compares: African/African-American, 0.8%; 3 homozygotes.

Submissions (8):

PreventionGenetics, part of Exact Sciences
Classification: Benign for NEB-related condition. Last evaluated: 2026-03-18. Review status: criteria provided, single submitter. Criteria: ACMG Guidelines, 2015. Collection method: clinical testing. Allele origin: germline.
Comment: This variant is classified as benign based on ACMG/AMP sequence variant interpretation guidelines (Richards et al. 2015 PMID: 25741868, with internal and published modifications).

Labcorp Genetics (formerly Invitae), Labcorp
Classification: Likely benign for Nemaline myopathy 2. Last evaluated: 2026-01-31. Review status: criteria provided, single submitter. Criteria: Invitae Variant Classification Sherloc (09022015). Collection method: clinical testing. Allele origin: germline.

Blueprint Genetics
Classification: Uncertain significance. Last evaluated: 2024-02-19. Review status: criteria provided, single submitter. Criteria: ACMG Guidelines, 2015. Collection method: clinical testing. Allele origin: germline.

Ambry Genetics
Classification: Uncertain significance for Inborn genetic diseases. Last evaluated: 2021-10-05. Review status: criteria provided, single submitter. Criteria: Ambry Variant Classification Scheme 2023. Collection method: clinical testing. Allele origin: germline.

GeneDx
Classification: Likely benign. Last evaluated: 2019-04-02. Review status: criteria provided, single submitter. Criteria: GeneDx Variant Classification Process June 2021. Collection method: clinical testing. Allele origin: germline. Affected: yes.

Breakthrough Genomics
Classification: Likely benign. Review status: criteria provided, single submitter. Criteria: ACMG Guidelines, 2015. Collection method: not provided. Allele origin: germline. Inheritance: Autosomal recessive inheritance. Affected: yes.

Genome Diagnostics Laboratory, University Medical Center Utrecht
Classification: Likely benign. Review status: no assertion criteria provided. Collection method: clinical testing. Allele origin: germline. Affected: yes. Study: VKGL Data-share Consensus. Not counted in ClinVar's aggregate classification.

Laboratory of Diagnostic Genome Analysis, Leiden University Medical Center (LUMC)
Classification: Likely benign. Review status: no assertion criteria provided. Collection method: clinical testing. Allele origin: germline. Affected: yes. Study: VKGL Data-share Consensus. Not counted in ClinVar's aggregate classification.

NM_001164508.2(NEB):c.18653G>A (p.Gly6218Asp)

Gene: NEB (nebulin; minus strand). Cytogenetic location: 2q23.3.
Variant type: single nucleotide variant.
Coding change: c.18653G>A on transcript NM_001164508.2 (MANE Select); coding-DNA position 18653, G replaced by A.
Protein change: p.Gly6218Asp; replaces glycine 6218 with aspartic acid.
Molecular consequence: missense variant.
Genome position (GRCh38, 1-based): chr2:151,563,646, C>T on the plus strand (G>A on the coding strand, the complement: NEB is on the minus strand). VCF-style: chr2-151563646-C-T. GRCh37 (hg19) VCF-style: chr2-152420160-C-T.
Other names: c.18653G>A, p.Gly6218Asp (NM_001164507.2, NM_001271208.2); c.13550G>A, p.Gly4517Asp (NM_004543.5); c.13550G>A (NM_004543.4); short protein forms G6218D, G4517D.
Identifiers: ClinVar variation 388694 (VCV000388694.20), dbSNP rs34471889, ClinGen allele CA1907896.
Genomic context (GRCh38, chr2:151,563,646, plus strand): 5'-TAAAGTGGACATTTACTTACCGCACTCCTCATCTTTTGGAAATCCAGACAGTGAACCACA[C>T]CAGGGAATTCACCGATCACTTTTCCAGCCAGGTAGTGACCTTTCTGCTTCTCATATGTCT-3'
Protein context (NP_001157980.2, residues 6208-6228): LAGKVIGEFP[Gly6218Asp]VVHCLDFQKM